The following is an entry in ClinVar:

NM_001378454.1(ALMS1):c.10558G>C (p.Asp3520His)

Gene: ALMS1 (ALMS1 centrosome and basal body associated protein; plus strand). Cytogenetic location: 2p13.1.
Variant type: single nucleotide variant.
Coding change: c.10558G>C on transcript NM_001378454.1 (MANE Select); coding-DNA position 10558, G replaced by C.
Protein change: p.Asp3520His; replaces aspartic acid 3520 with histidine.
Molecular consequence: missense variant.
Genome position (GRCh38, 1-based): chr2:73,572,435, G>C. VCF-style: chr2-73572435-G-C. GRCh37 (hg19) VCF-style: chr2-73799562-G-C.
Other names: c.10561G>C, p.Asp3521His (NM_015120.4); short protein forms D3520H, D3521H.
Identifiers: ClinVar variation 1006924 (VCV001006924.12), dbSNP rs1403094265, ClinGen allele CA347283653.

ClinVar aggregate classification (germline): Uncertain significance. Review status: criteria provided, multiple submitters, no conflicts (2 of 4 stars). 5 submissions from 5 submitters: Uncertain significance (4). 1 of the submissions does not count toward it. Last evaluated 2026-07-22.

Conditions:
Cardiovascular phenotype. Identifiers: MedGen CN230736.
Alstrom syndrome (ALMS). Identifiers: Orphanet 64, MedGen C0268425, MONDO:0008763, OMIM 203800.

Submissions (5):

Ambry Genetics
Classification: Uncertain significance for Cardiovascular phenotype. Last evaluated: 2026-07-22. Review status: criteria provided, single submitter. Criteria: Ambry Variant Classification Scheme 2023. Collection method: clinical testing. Allele origin: germline.
Comment: The p.D3521H variant (also known as c.10561G>C), located in coding exon 16 of the ALMS1 gene, results from a G to C substitution at nucleotide position 10561. The aspartic acid at codon 3521 is replaced by histidine, an amino acid with similar properties. This amino acid position is not well conserved in available vertebrate species. In addition, this alteration is predicted to be tolerated by in silico analysis. Based on the available evidence, the clinical significance of this variant remains unclear.

GeneDx
Classification: Uncertain significance. Last evaluated: 2024-09-30. Review status: criteria provided, single submitter. Criteria: GeneDx Variant Classification Process June 2021. Collection method: clinical testing. Allele origin: germline. Affected: yes.
Comment: Not observed at significant frequency in large population cohorts (gnomAD); In silico analysis supports that this missense variant has a deleterious effect on protein structure/function; Has not been previously published as pathogenic or benign to our knowledge

Labcorp Genetics (formerly Invitae), Labcorp
Classification: Uncertain significance for Alstrom syndrome. Last evaluated: 2024-02-24. Review status: criteria provided, single submitter. Criteria: Invitae Variant Classification Sherloc (09022015). Collection method: clinical testing. Allele origin: germline.
Comment: This sequence change replaces aspartic acid, which is acidic and polar, with histidine, which is basic and polar, at codon 3521 of the ALMS1 protein (p.Asp3521His). This variant is not present in population databases (gnomAD no frequency). This variant has not been reported in the literature in individuals affected with ALMS1-related conditions. ClinVar contains an entry for this variant (Variation ID: 1006924). Experimental studies and prediction algorithms are not available or were not evaluated, and the functional significance of this variant is currently unknown. In summary, the available evidence is currently insufficient to determine the role of this variant in disease. Therefore, it has been classified as a Variant of Uncertain Significance.

Fulgent Genetics
Classification: Uncertain significance for Alstrom syndrome. Last evaluated: 2022-04-11. Review status: criteria provided, single submitter. Criteria: ACMG Guidelines, 2015. Collection method: clinical testing. Allele origin: unknown.

Natera, Inc.
Classification: Uncertain significance for Alstrom syndrome. Last evaluated: 2021-03-09. Review status: no assertion criteria provided. Collection method: clinical testing. Allele origin: germline. Not counted in ClinVar's aggregate classification.